The following is an entry in ClinVar:

ClinVar aggregate classification (germline): Pathogenic (1 of 4 stars; one submission).

Conditions:
Primary ciliary dyskinesia. Also called: Ciliary dyskinesia. Identifiers: Orphanet 244, MedGen C0008780, MONDO:0016575, HP:0012265.

Submission:

Labcorp Genetics (formerly Invitae), Labcorp
Classification: Pathogenic for Primary ciliary dyskinesia. Last evaluated: 2024-12-17. Review status: criteria provided, single submitter. Criteria: Invitae Variant Classification Sherloc (09022015). Collection method: clinical testing. Allele origin: germline.
Comment: This sequence change creates a premature translational stop signal (p.Lys604*) in the CCDC39 gene. It is expected to result in an absent or disrupted protein product. Loss-of-function variants in CCDC39 are known to be pathogenic (PMID: 21131972, 23255504). This variant is not present in population databases (gnomAD no frequency). This variant has not been reported in the literature in individuals affected with CCDC39-related conditions. For these reasons, this variant has been classified as Pathogenic.

Literature cited by the submitters: PubMed 21131972; PubMed 23255504.

NM_181426.2(CCDC39):c.1810A>T (p.Lys604Ter)

Gene: CCDC39 (coiled-coil domain 39 molecular ruler complex subunit; minus strand). Cytogenetic location: 3q26.33.
Variant type: single nucleotide variant.
Coding change: c.1810A>T on transcript NM_181426.2 (MANE Select); coding-DNA position 1810, A replaced by T.
Protein change: p.Lys604Ter; replaces lysine 604 with a stop codon.
Molecular consequence: nonsense.
Genome position (GRCh38, 1-based): chr3:180,642,057, T>A on the plus strand (A>T on the coding strand, the complement: CCDC39 is on the minus strand). VCF-style: chr3-180642057-T-A. GRCh37 (hg19) VCF-style: chr3-180359845-T-A.
Other names: short protein forms K604*.
Identifiers: ClinVar variation 3727498 (VCV003727498.2).